The following is an entry in ClinVar:

NM_024675.4(PALB2):c.776G>A (p.Ser259Asn)

Gene: PALB2 (partner and localizer of BRCA2; minus strand). Cytogenetic location: 16p12.2.
Variant type: single nucleotide variant.
Coding change: c.776G>A on transcript NM_024675.4 (MANE Select); coding-DNA position 776, G replaced by A.
Protein change: p.Ser259Asn; replaces serine 259 with asparagine.
Molecular consequence: missense variant.
Genome position (GRCh38, 1-based): chr16:23,635,770, C>T on the plus strand (G>A on the coding strand, the complement: PALB2 is on the minus strand). VCF-style: chr16-23635770-C-T. GRCh37 (hg19) VCF-style: chr16-23647091-C-T.
Other names: short protein forms S259N.
Identifiers: ClinVar variation 1321734 (VCV001321734.3), dbSNP rs2142434773, ClinGen allele CA395136092.

ClinVar aggregate classification (germline): Uncertain significance. Review status: criteria provided, multiple submitters, no conflicts (2 of 4 stars). 2 submissions from 2 submitters: Uncertain significance (2). Last evaluated 2021-11-29.

Conditions:
Hereditary cancer-predisposing syndrome. Also called: Hereditary neoplastic syndrome; Neoplastic Syndromes, Hereditary; Tumor predisposition; Hereditary Cancer Syndrome. Identifiers: Orphanet 140162, MedGen C0027672, MeSH D009386, MONDO:0015356.

Allele frequency attached by ClinVar (database versions not stated): gnomAD exomes below 0.00001.
gnomAD v4.1: 1 of 1,614,132 alleles (0.000062%); highest among the groups gnomAD compares: Non-Finnish European, 0.000085%; no homozygotes.

Submissions (2):

Sema4
Classification: Uncertain significance for Hereditary cancer-predisposing syndrome. Last evaluated: 2021-11-29. Review status: criteria provided, single submitter. Criteria: Sema4 Curation Guidelines. Collection method: curation. Allele origin: germline.
Comment: The PALB2 c.776G>A (p.S259N) variant has not been reported in the literature to our knowledge. It was not observed in the large and broad cohorts of the Genome Aggregation Database (PMID: 32461654).This variant has been reported in ClinVar (Variation ID 1321734). In silico tools suggest the impact of the variant on protein function is benign, though these predictions have not been confirmed by functional studies. The evidence is insufficient to meet ACMG/AMP criteria for classifying the variant as benign or pathogenic. Thus, the clinical significance of this variant is currently uncertain.

GeneDx
Classification: Uncertain significance. Last evaluated: 2021-05-10. Review status: criteria provided, single submitter. Criteria: GeneDx Variant Classification Process June 2021. Collection method: clinical testing. Allele origin: germline. Affected: yes.
Comment: Not observed in large population cohorts (Lek 2016); In silico analysis supports that this missense variant does not alter protein structure/function; Has not been previously published as pathogenic or benign to our knowledge